The following is an entry in ClinVar:

NM_004006.3(DMD):c.4845+5A>C

Gene: DMD (dystrophin; minus strand). Cytogenetic location: Xp21.1.
Variant type: single nucleotide variant.
Coding change: c.4845+5A>C on transcript NM_004006.3 (MANE Select); 5 bases into the intron after coding-DNA position 4845, A replaced by C.
Molecular consequence: intron variant.
Genome position (GRCh38, 1-based): chrX:32,380,505, T>G on the plus strand (A>C on the coding strand, the complement: DMD is on the minus strand). VCF-style: chrX-32380505-T-G. GRCh37 (hg19) VCF-style: chrX-32398622-T-G.
Other names: c.4821+5A>C (NM_000109.4); c.822+5A>C (NM_004011.4); c.813+5A>C (NM_004012.4); c.4833+5A>C (NM_004009.3); c.4476+5A>C (NM_004010.3).
Identifiers: ClinVar variation 2772905 (VCV002772905.3), dbSNP rs2522910506, ClinGen allele CA2697552956.

ClinVar aggregate classification (germline): Uncertain significance (1 of 4 stars; one submission).

Conditions:
Duchenne muscular dystrophy (DMD). Also called: MUSCULAR DYSTROPHY, PSEUDOHYPERTROPHIC PROGRESSIVE, DUCHENNE TYPE; Duchenne Muscular Dystrophy (DMD). Identifiers: Orphanet 98896, MedGen C0013264, MONDO:0010679, OMIM 310200.

Submission:

Labcorp Genetics (formerly Invitae), Labcorp
Classification: Uncertain significance for Duchenne muscular dystrophy. Last evaluated: 2023-10-30. Review status: criteria provided, single submitter. Criteria: Invitae Variant Classification Sherloc (09022015). Collection method: clinical testing. Allele origin: germline.
Comment: This sequence change falls in intron 34 of the DMD gene. It does not directly change the encoded amino acid sequence of the DMD protein. It affects a nucleotide within the consensus splice site. This variant is not present in population databases (gnomAD no frequency). This variant has not been reported in the literature in individuals affected with DMD-related conditions. Variants that disrupt the consensus splice site are a relatively common cause of aberrant splicing (PMID: 17576681, 9536098). Algorithms developed to predict the effect of sequence changes on RNA splicing suggest that this variant is not likely to affect RNA splicing. In summary, the available evidence is currently insufficient to determine the role of this variant in disease. Therefore, it has been classified as a Variant of Uncertain Significance.

Literature cited by the submitters: PubMed 17576681; PubMed 9536098.